The following is an entry in ClinVar:

NM_015046.7(SETX):c.1890G>A (p.Thr630=)

Gene: SETX (senataxin; minus strand). Cytogenetic location: 9q34.13.
Variant type: single nucleotide variant.
Coding change: c.1890G>A on transcript NM_015046.7 (MANE Select); coding-DNA position 1890, G replaced by A.
Protein change: p.Thr630=; no amino-acid change (threonine 630 retained).
Molecular consequence: synonymous variant.
Genome position (GRCh38, 1-based): chr9:132,329,708, C>T on the plus strand (G>A on the coding strand, the complement: SETX is on the minus strand). VCF-style: chr9-132329708-C-T. GRCh37 (hg19) VCF-style: chr9-135205095-C-T.
Other names: c.1890G>A, p.Thr630= (NM_001351527.2, NM_001351528.2).
Identifiers: ClinVar variation 2926167 (VCV002926167.5), dbSNP rs780021483, ClinGen allele CA5297700.
Genomic context (GRCh38, chr9:132,329,708, plus strand): 5'-CATTGGTTCTTTAGAAAATGTTGGGCTGGAAGCTTCCAAACAATGCATATCTTTTCTAGA[C>T]GTCTTCCCCATTTGTTCACTTTCTTCTTTATTATAAGATGCAGGAGAGATTTTACATGCA-3'
Protein context (NP_055861.3, residues 620-640): NKEESEQMGK[Thr630=]SRKDMHCLEA

ClinVar aggregate classification (germline): Benign/Likely benign. Review status: criteria provided, multiple submitters, no conflicts (2 of 4 stars). 3 submissions from 3 submitters: Benign (1); Likely benign (2). Last evaluated 2025-08-11.

Conditions:
SETX-related disorder. Also called: SETX-related condition; SETX-related disorders. Identifiers: MedGen CN239403.
Amyotrophic lateral sclerosis type 4 (ALS4). Also called: NEURONOPATHY, DISTAL HEREDITARY MOTOR, WITH PYRAMIDAL FEATURES; AMYOTROPHIC LATERAL SCLEROSIS 4, JUVENILE. Identifiers: Orphanet 357043, MedGen C1865409, MONDO:0011223, OMIM 602433.
Spinocerebellar ataxia, autosomal recessive, with axonal neuropathy 2 (SCAN2). Also called: Ataxia-ocular apraxia-2; Ataxia with Oculomotor Apraxia; Ataxia with Oculomotor Apraxia Type 2; ATAXIA-OCULOMOTOR APRAXIA 2. Identifiers: Orphanet 64753, MedGen C1853761, MONDO:0018996, OMIM 606002.

Allele frequency attached by ClinVar (database versions not stated): ExAC 0.00002; TOPMed 0.00002; gnomAD 0.00003.
gnomAD v4.1: 40 of 1,613,952 alleles (0.0025%); highest among the groups gnomAD compares: Admixed American, 0.0083%; no homozygotes.

Submissions (3):

PreventionGenetics, part of Exact Sciences
Classification: Likely benign for SETX-related condition. Last evaluated: 2025-08-11. Review status: criteria provided, single submitter. Criteria: ACMG Guidelines, 2015. Collection method: clinical testing. Allele origin: germline.
Comment: This variant is classified as likely benign based on ACMG/AMP sequence variant interpretation guidelines (Richards et al. 2015 PMID: 25741868, with internal and published modifications).

Blueprint Genetics
Classification: Likely benign. Last evaluated: 2024-01-19. Review status: criteria provided, single submitter. Criteria: ACMG Guidelines, 2015. Collection method: clinical testing. Allele origin: germline.

Labcorp Genetics (formerly Invitae), Labcorp
Classification: Benign for Amyotrophic lateral sclerosis type 4; Spinocerebellar ataxia, autosomal recessive, with axonal neuropathy 2. Last evaluated: 2023-12-21. Review status: criteria provided, single submitter. Criteria: Invitae Variant Classification Sherloc (09022015). Collection method: clinical testing. Allele origin: germline.